The following is an entry in ClinVar:

NM_001040142.2(SCN2A):c.1530_1531del (p.Lys511fs)

Gene: SCN2A (sodium voltage-gated channel alpha subunit 2; plus strand). Cytogenetic location: 2q24.3.
Variant type: Deletion.
Coding change: c.1530_1531del on transcript NM_001040142.2 (MANE Select); coding-DNA positions 1530 to 1531, 2 bases deleted (GA; older notation c.1530_1531delGA).
Protein change: p.Lys511fs; shifts the reading frame from lysine 511.
Molecular consequence: frameshift variant.
Genome position (GRCh38, 1-based): chr2:165,315,617-165,315,618, GA deleted; deleting any 2 consecutive bases within chr2:165,315,616-165,315,618 gives the same sequence; the c. name uses the placement nearest the transcript's 3' end. VCF-style (leftmost placement, unchanged base first): chr2-165315615-CAG-C. GRCh37 (hg19) VCF-style: chr2-166172125-CAG-C.
Other names: c.1530_1531del, p.Lys511fs (NM_001040143.2, NM_001371246.1, NM_001371247.1 and 1 more transcripts); c.1530_1531delGA (NM_021007.2); short protein forms K511fs.
Identifiers: ClinVar variation 848365 (VCV000848365.5), dbSNP rs1697702086, ClinGen allele CA916082214.
Genomic context (GRCh38, chr2:165,315,615, plus strand): 5'-GCATCTAAGTTGAGCTCCAAAAGTGAAAAAGAGCTGAAAAACAGAAGAAAGAAAAAGAAA[CAG>C]AAAGAACAGTCTGGAGAAGAAGAGAAAAATGACAGAGTCCGAAAATCGGAATCTGAAGAC-3'

ClinVar aggregate classification (germline): Pathogenic. Review status: criteria provided, multiple submitters, no conflicts (2 of 4 stars). 2 submissions from 2 submitters: Pathogenic (2). Last evaluated 2019-02-02.

Conditions:
Inborn genetic diseases. Identifiers: MedGen C0950123, MeSH D030342.
Seizures, benign familial infantile, 3 (BFIS3). Also called: CONVULSIONS, BENIGN FAMILIAL INFANTILE, 3; Familial neonatal seizures. Identifiers: Orphanet 140927, Orphanet 306, MedGen C1843140, MONDO:0011904, OMIM 607745.
Developmental and epileptic encephalopathy, 11 (DEE11). Also called: Early infantile epileptic encephalopathy 11. Identifiers: Orphanet 1934, MedGen C3150987, MONDO:0013388, OMIM 613721.

Submissions (2):

Labcorp Genetics (formerly Invitae), Labcorp
Classification: Pathogenic for Seizures, benign familial infantile, 3; Developmental and epileptic encephalopathy, 11. Last evaluated: 2019-02-02. Review status: criteria provided, single submitter. Criteria: Invitae Variant Classification Sherloc (09022015). Collection method: clinical testing. Allele origin: germline.
Comment: This sequence change creates a premature translational stop signal (p.Lys511Argfs*10) in the SCN2A gene. It is expected to result in an absent or disrupted protein product. This variant is not present in population databases (ExAC no frequency). This variant has not been reported in the literature in individuals with SCN2A-related conditions. Loss-of-function variants in SCN2A are known to be pathogenic (PMID: 22495306, 23020937, 24650168). For these reasons, this variant has been classified as Pathogenic.

Ambry Genetics
Classification: Pathogenic for Inborn genetic diseases. Last evaluated: 2018-05-14. Review status: criteria provided, single submitter. Criteria: Ambry Variant Classification Scheme 2023. Collection method: clinical testing. Allele origin: germline.
Comment: The c.1530_1531delGA pathogenic mutation, located in coding exon 10 of the SCN2A gene, results from a deletion of two nucleotides at nucleotide positions 1530 to 1531, causing a translational frameshift with a predicted alternate stop codon (p.K511Rfs*10). This alteration is expected to result in loss of function by premature protein truncation or nonsense-mediated mRNA decay. As such, this alteration is interpreted as a disease-causing mutation.

Literature cited by the submitters: PubMed 22495306 (cited by Labcorp Genetics (formerly Invitae), Labcorp); PubMed 23020937 (cited by Labcorp Genetics (formerly Invitae), Labcorp); PubMed 24650168 (cited by Labcorp Genetics (formerly Invitae), Labcorp).